The following is an entry in ClinVar:

NM_001042492.3(NF1):c.6767G>T (p.Ser2256Ile)

Gene: NF1 (neurofibromin 1; plus strand). Cytogenetic location: 17q11.2.
Variant type: single nucleotide variant.
Coding change: c.6767G>T on transcript NM_001042492.3 (MANE Select); coding-DNA position 6767, G replaced by T.
Protein change: p.Ser2256Ile; replaces serine 2256 with isoleucine.
Molecular consequence: missense variant.
Genome position (GRCh38, 1-based): chr17:31,338,087, G>T. VCF-style: chr17-31338087-G-T. GRCh37 (hg19) VCF-style: chr17-29665105-G-T.
Other names: c.6704G>T, p.Ser2235Ile (NM_000267.4); short protein forms S2235I, S2256I.
Identifiers: ClinVar variation 3237895 (VCV003237895.1), dbSNP rs2151558229.

ClinVar aggregate classification (germline): Uncertain significance (1 of 4 stars; one submission).

Conditions:
Hereditary cancer-predisposing syndrome. Also called: Neoplastic Syndromes, Hereditary; Tumor predisposition; Hereditary neoplastic syndrome; Hereditary Cancer Syndrome. Identifiers: Orphanet 140162, MedGen C0027672, MeSH D009386, MONDO:0015356.
Cardiovascular phenotype. Identifiers: MedGen CN230736.

Submission:

Ambry Genetics
Classification: Uncertain significance for Cardiovascular phenotype; Hereditary cancer-predisposing syndrome. Last evaluated: 2023-04-07. Review status: criteria provided, single submitter. Criteria: Ambry Variant Classification Scheme 2023. Collection method: clinical testing. Allele origin: germline.
Comment: The p.S2235I variant (also known as c.6704G>T), located in coding exon 44 of the NF1 gene, results from a G to T substitution at nucleotide position 6704. The serine at codon 2235 is replaced by isoleucine, an amino acid with dissimilar properties. This amino acid position is conserved. In addition, the in silico prediction for this alteration is inconclusive. Since supporting evidence is limited at this time, the clinical significance of this alteration remains unclear.